The following is an entry in ClinVar:

ClinVar aggregate classification (germline): Uncertain significance (1 of 4 stars; one submission).

Allele frequency attached by ClinVar (database versions not stated): gnomAD exomes below 0.00001.
gnomAD v4.1: 6 of 1,614,050 alleles (0.00037%); highest among the groups gnomAD compares: South Asian, 0.0011%; no homozygotes.

Submission:

Labcorp Genetics (formerly Invitae), Labcorp
Classification: Uncertain significance. Last evaluated: 2022-02-03. Review status: criteria provided, single submitter. Criteria: Invitae Variant Classification Sherloc (09022015). Collection method: clinical testing. Allele origin: germline.
Comment: In summary, the available evidence is currently insufficient to determine the role of this variant in disease. Therefore, it has been classified as a Variant of Uncertain Significance. Algorithms developed to predict the effect of missense changes on protein structure and function are either unavailable or do not agree on the potential impact of this missense change (SIFT: "Deleterious"; PolyPhen-2: "Probably Damaging"; Align-GVGD: "Class C15"). This variant has not been reported in the literature in individuals affected with CDH2-related conditions. This variant is not present in population databases (gnomAD no frequency). This sequence change replaces glycine, which is neutral and non-polar, with glutamic acid, which is acidic and polar, at codon 830 of the CDH2 protein (p.Gly830Glu).

NM_001792.5(CDH2):c.2489G>A (p.Gly830Glu)

Genes: CDH2 (cadherin 2; minus strand), CDH2-AS1 (CDH2 antisense RNA 1; plus strand). Cytogenetic location: 18q12.1.
Variant type: single nucleotide variant.
Coding change: c.2489G>A on transcript NM_001792.5 (MANE Select); coding-DNA position 2489, G replaced by A.
Protein change: p.Gly830Glu; replaces glycine 830 with glutamic acid.
Molecular consequence: missense variant.
Genome position (GRCh38, 1-based): chr18:27,963,382, C>T on the plus strand (G>A on the coding strand, the complement: CDH2 is on the minus strand). VCF-style: chr18-27963382-C-T. GRCh37 (hg19) VCF-style: chr18-25543346-C-T.
Other names: c.2396G>A, p.Gly799Glu (NM_001308176.2); short protein forms G799E, G830E.
Identifiers: ClinVar variation 1921223 (VCV001921223.5), dbSNP rs2510776849, ClinGen allele CA402103843.